The following is an entry in ClinVar:

NM_001329943.3(KIAA0586):c.3190T>A (p.Cys1064Ser)

Gene: KIAA0586 (KIAA0586; plus strand). Cytogenetic location: 14q23.1.
Variant type: single nucleotide variant.
Coding change: c.3190T>A on transcript NM_001329943.3 (MANE Select); coding-DNA position 3190, T replaced by A.
Protein change: p.Cys1064Ser; replaces cysteine 1064 with serine.
Molecular consequence: missense variant.
Genome position (GRCh38, 1-based): chr14:58,487,052, T>A. VCF-style: chr14-58487052-T-A. GRCh37 (hg19) VCF-style: chr14-58953770-T-A.
Other names: c.3349T>A, p.Cys1117Ser (NM_001244189.2); c.3145T>A, p.Cys1049Ser (NM_001244190.2); c.2935T>A, p.Cys979Ser (NM_001244191.2, NM_001329945.2, NM_001364700.1 and 1 more transcripts); c.3058T>A, p.Cys1020Ser (NM_001244192.2); c.2770T>A, p.Cys924Ser (NM_001244193.2); c.3190T>A, p.Cys1064Ser (NM_001329944.2, NM_001329946.2, NM_001329947.2); c.2962T>A, p.Cys988Ser (NM_014749.5); short protein forms C1064S, C1117S, C988S, C1049S, C1020S, C924S, C979S.
Identifiers: ClinVar variation 1948171 (VCV001948171.5), dbSNP rs1036508171, ClinGen allele CA389880753.

ClinVar aggregate classification (germline): Uncertain significance (1 of 4 stars; one submission).

Conditions:
Short-rib thoracic dysplasia 14 with polydactyly (SRTD14). Identifiers: Orphanet 397715, MedGen C4225286, MONDO:0014688, OMIM 616546.
Joubert syndrome 23 (JBTS23). Identifiers: Orphanet 475, MedGen C4084822, MONDO:0014664, OMIM 616490.

Submission:

Labcorp Genetics (formerly Invitae), Labcorp
Classification: Uncertain significance for Joubert syndrome 23; Short-rib thoracic dysplasia 14 with polydactyly. Last evaluated: 2025-02-24. Review status: criteria provided, single submitter. Criteria: Invitae Variant Classification Sherloc (09022015). Collection method: clinical testing. Allele origin: germline.
Comment: This sequence change replaces cysteine, which is neutral and slightly polar, with serine, which is neutral and polar, at codon 1117 of the KIAA0586 protein (p.Cys1117Ser). This variant is not present in population databases (gnomAD no frequency). This variant has not been reported in the literature in individuals affected with KIAA0586-related conditions. ClinVar contains an entry for this variant (Variation ID: 1948171). Invitae Evidence Modeling of protein sequence and biophysical properties (such as structural, functional, and spatial information, amino acid conservation, physicochemical variation, residue mobility, and thermodynamic stability) indicates that this missense variant is not expected to disrupt KIAA0586 protein function with a negative predictive value of 80%. In summary, the available evidence is currently insufficient to determine the role of this variant in disease. Therefore, it has been classified as a Variant of Uncertain Significance.